The following is an entry in ClinVar:

NM_001375462.1(LPP):c.620C>T (p.Pro207Leu)

Gene: LPP (LIM domain containing preferred translocation partner in lipoma; plus strand). Cytogenetic location: 3q28.
Variant type: single nucleotide variant.
Coding change: c.620C>T on transcript NM_001375462.1 (MANE Select); coding-DNA position 620, C replaced by T.
Protein change: p.Pro207Leu; replaces proline 207 with leucine.
Molecular consequence: missense variant. On other transcripts: non-coding transcript variant (1).
Genome position (GRCh38, 1-based): chr3:188,609,351, C>T. VCF-style: chr3-188609351-C-T. GRCh37 (hg19) VCF-style: chr3-188327139-C-T.
Other names: c.620C>T, p.Pro207Leu (NM_001167671.3, NM_001167672.3, NM_001375455.1 and 29 more transcripts); c.131C>T, p.Pro44Leu (NM_001387675.1, NM_001387676.1); short protein forms P207L, P44L.
Identifiers: ClinVar variation 4980471 (VCV004980471.1).

ClinVar aggregate classification (germline): Likely benign (1 of 4 stars; one submission).

Conditions:
LPP-related disorder. Also called: LPP-related condition.

gnomAD v4.1: 1,285 of 1,614,144 alleles (0.08%); highest among the groups gnomAD compares: Non-Finnish European, 0.1%; 2 homozygotes.

Submission:

PreventionGenetics, part of Exact Sciences
Classification: Likely benign for LPP-related condition. Last evaluated: 2025-03-28. Review status: criteria provided, single submitter. Criteria: ACMG Guidelines, 2015. Collection method: clinical testing. Allele origin: germline.
Comment: This variant is classified as likely benign based on ACMG/AMP sequence variant interpretation guidelines (Richards et al. 2015 PMID: 25741868, with internal and published modifications).